The following is an entry in ClinVar:

NM_001378454.1(ALMS1):c.4306G>A (p.Gly1436Ser)

Gene: ALMS1 (ALMS1 centrosome and basal body associated protein; plus strand). Cytogenetic location: 2p13.1.
Variant type: single nucleotide variant.
Coding change: c.4306G>A on transcript NM_001378454.1 (MANE Select); coding-DNA position 4306, G replaced by A.
Protein change: p.Gly1436Ser; replaces glycine 1436 with serine.
Molecular consequence: missense variant.
Genome position (GRCh38, 1-based): chr2:73,450,833, G>A. VCF-style: chr2-73450833-G-A. GRCh37 (hg19) VCF-style: chr2-73677960-G-A.
Other names: c.4309G>A, p.Gly1437Ser (NM_015120.4); short protein forms G1437S, G1436S.
Identifiers: ClinVar variation 1494424 (VCV001494424.5), dbSNP rs759249886, ClinGen allele CA1713683.

ClinVar aggregate classification (germline): Uncertain significance (1 of 4 stars; one submission).

Conditions:
Alstrom syndrome (ALMS). Identifiers: Orphanet 64, MedGen C0268425, MONDO:0008763, OMIM 203800.

Allele frequency attached by ClinVar (database versions not stated): gnomAD exomes below 0.00001; ExAC 0.00001.
gnomAD v4.1: 2 of 1,613,928 alleles (0.00012%); highest among the groups gnomAD compares: East Asian, 0.0022%; no homozygotes.

Submission:

Labcorp Genetics (formerly Invitae), Labcorp
Classification: Uncertain significance for Alstrom syndrome. Last evaluated: 2024-02-24. Review status: criteria provided, single submitter. Criteria: Invitae Variant Classification Sherloc (09022015). Collection method: clinical testing. Allele origin: germline.
Comment: This sequence change replaces glycine with serine at codon 1437 of the ALMS1 protein (p.Gly1437Ser). The glycine residue is weakly conserved and there is a small physicochemical difference between glycine and serine. This variant is present in population databases (rs759249886, gnomAD 0.006%). This variant has not been reported in the literature in individuals affected with ALMS1-related conditions. ClinVar contains an entry for this variant (Variation ID: 1494424). Experimental studies and prediction algorithms are not available or were not evaluated, and the functional significance of this variant is currently unknown. In summary, the available evidence is currently insufficient to determine the role of this variant in disease. Therefore, it has been classified as a Variant of Uncertain Significance.